The following is an entry in ClinVar:

NM_024753.5(TTC21B):c.3263+1G>A

Gene: TTC21B (tetratricopeptide repeat domain 21B; minus strand). Cytogenetic location: 2q24.3.
Variant type: single nucleotide variant.
Coding change: c.3263+1G>A on transcript NM_024753.5 (MANE Select); the canonical splice donor site of the intron after coding-DNA position 3263, G replaced by A.
Molecular consequence: splice donor variant.
Genome position (GRCh38, 1-based): chr2:165,890,478, C>T on the plus strand (G>A on the coding strand, the complement: TTC21B is on the minus strand). VCF-style: chr2-165890478-C-T. GRCh37 (hg19) VCF-style: chr2-166746988-C-T.
Identifiers: ClinVar variation 641840 (VCV000641840.7), dbSNP rs1574070787, ClinGen allele CA349047825.

ClinVar aggregate classification (germline): Likely pathogenic (1 of 4 stars; one submission).

Conditions:
Nephronophthisis. Also called: Juvenile Nephronophthisis. Identifiers: Orphanet 655, MedGen C0687120, MONDO:0019005, HP:0000090.
Jeune thoracic dystrophy. Also called: Jeune syndrome; Infantile thoracic dystrophy; Thoracic pelvic phalangeal dystrophy; Jeune's syndrome; Chondroectodermal dysplasia-like syndrome; Short-rib thoracic dysplasia. Identifiers: Orphanet 474, MedGen C0265275, MONDO:0018770.

Allele frequency attached by ClinVar (database versions not stated): gnomAD exomes below 0.00001.
gnomAD v4.1: 1 of 1,613,166 alleles (0.000062%); highest among the groups gnomAD compares: Non-Finnish European, 0.000085%; no homozygotes.

Submission:

Labcorp Genetics (formerly Invitae), Labcorp
Classification: Likely pathogenic for Jeune thoracic dystrophy; Nephronophthisis. Last evaluated: 2022-06-25. Review status: criteria provided, single submitter. Criteria: Invitae Variant Classification Sherloc (09022015). Collection method: clinical testing. Allele origin: germline.
Comment: In summary, the currently available evidence indicates that the variant is pathogenic, but additional data are needed to prove that conclusively. Therefore, this variant has been classified as Likely Pathogenic. Algorithms developed to predict the effect of sequence changes on RNA splicing suggest that this variant may disrupt the consensus splice site. ClinVar contains an entry for this variant (Variation ID: 641840). This variant has not been reported in the literature in individuals affected with TTC21B-related conditions. This variant is not present in population databases (gnomAD no frequency). This sequence change affects a donor splice site in intron 24 of the TTC21B gene. It is expected to disrupt RNA splicing. Variants that disrupt the donor or acceptor splice site typically lead to a loss of protein function (PMID: 16199547), and loss-of-function variants in TTC21B are known to be pathogenic (PMID: 18327258, 21068128, 21258341, 23559409, 24876116, 25492405, 27491411, 29068549).

Literature cited by the submitters: PubMed 16199547; PubMed 18327258; PubMed 21068128; PubMed 21258341; PubMed 23559409; PubMed 24876116; PubMed 25492405; PubMed 27491411; PubMed 29068549.